The following is an entry in ClinVar:

ClinVar aggregate classification (germline): Uncertain significance (1 of 4 stars; one submission).

Allele frequency attached by ClinVar (database versions not stated): gnomAD 0.00001; TOPMed 0.00001.
gnomAD v4.1: 4 of 1,613,842 alleles (0.00025%); highest among the groups gnomAD compares: Admixed American, 0.0017%; no homozygotes.

Submission:

Labcorp Genetics (formerly Invitae), Labcorp
Classification: Uncertain significance. Last evaluated: 2022-08-11. Review status: criteria provided, single submitter. Criteria: Invitae Variant Classification Sherloc (09022015). Collection method: clinical testing. Allele origin: germline.
Comment: In summary, the available evidence is currently insufficient to determine the role of this variant in disease. Therefore, it has been classified as a Variant of Uncertain Significance. Variants that disrupt the consensus splice site are a relatively common cause of aberrant splicing (PMID: 17576681, 9536098). Algorithms developed to predict the effect of sequence changes on RNA splicing suggest that this variant may disrupt the consensus splice site. This variant has not been reported in the literature in individuals affected with ADAMTS18-related conditions. This variant is not present in population databases (gnomAD no frequency). This sequence change falls in intron 7 of the ADAMTS18 gene. It does not directly change the encoded amino acid sequence of the ADAMTS18 protein. It affects a nucleotide within the consensus splice site.

Literature cited by the submitters: PubMed 17576681; PubMed 9536098.

NM_199355.4(ADAMTS18):c.1216+5G>A

Gene: ADAMTS18 (ADAM metallopeptidase with thrombospondin type 1 motif 18; minus strand). Cytogenetic location: 16q23.1.
Variant type: single nucleotide variant.
Coding change: c.1216+5G>A on transcript NM_199355.4 (MANE Select); 5 bases into the intron after coding-DNA position 1216, G replaced by A.
Molecular consequence: intron variant.
Genome position (GRCh38, 1-based): chr16:77,362,100, C>T on the plus strand (G>A on the coding strand, the complement: ADAMTS18 is on the minus strand). VCF-style: chr16-77362100-C-T. GRCh37 (hg19) VCF-style: chr16-77395997-C-T.
Other names: c.700+5G>A (NM_001326358.2).
Identifiers: ClinVar variation 2103423 (VCV002103423.3), dbSNP rs1355975547, ClinGen allele CA724142839.